The following is an entry in ClinVar:

NM_138701.4(MPLKIP):c.40C>G (p.Pro14Ala)

Gene: MPLKIP (M-phase specific PLK1 interacting protein; minus strand). Cytogenetic location: 7p14.1.
Variant type: single nucleotide variant.
Coding change: c.40C>G on transcript NM_138701.4 (MANE Select); coding-DNA position 40, C replaced by G.
Protein change: p.Pro14Ala; replaces proline 14 with alanine.
Molecular consequence: missense variant.
Genome position (GRCh38, 1-based): chr7:40,134,528, G>C on the plus strand (C>G on the coding strand, the complement: MPLKIP is on the minus strand). VCF-style: chr7-40134528-G-C. GRCh37 (hg19) VCF-style: chr7-40174127-G-C.
Other names: short protein forms P14A.
Identifiers: ClinVar variation 1489409 (VCV001489409.5), dbSNP rs1396194496, ClinGen allele CA367308942.

ClinVar aggregate classification (germline): Uncertain significance (1 of 4 stars; one submission).

Submission:

Labcorp Genetics (formerly Invitae), Labcorp
Classification: Uncertain significance. Last evaluated: 2025-09-22. Review status: criteria provided, single submitter. Criteria: Invitae Variant Classification Sherloc (09022015). Collection method: clinical testing. Allele origin: germline.
Comment: This sequence change replaces proline, which is neutral and non-polar, with alanine, which is neutral and non-polar, at codon 14 of the MPLKIP protein (p.Pro14Ala). This variant is not present in population databases (gnomAD no frequency). This variant has not been reported in the literature in individuals affected with MPLKIP-related conditions. ClinVar contains an entry for this variant (Variation ID: 1489409). An algorithm developed to predict the effect of missense changes on protein structure and function outputs the following: PolyPhen-2: "Not Available". The alanine amino acid residue is found in multiple mammalian species, which suggests that this missense change does not adversely affect protein function. In summary, the available evidence is currently insufficient to determine the role of this variant in disease. Therefore, it has been classified as a Variant of Uncertain Significance.